The following is an entry in ClinVar:

NM_000784.4(CYP27A1):c.1420C>T (p.Arg474Trp)

Gene: CYP27A1 (cytochrome P450 family 27 subfamily A member 1; plus strand). Cytogenetic location: 2q35.
Variant type: single nucleotide variant.
Coding change: c.1420C>T on transcript NM_000784.4 (MANE Select); coding-DNA position 1420, C replaced by T.
Protein change: p.Arg474Trp; replaces arginine 474 with tryptophan.
Molecular consequence: missense variant.
Genome position (GRCh38, 1-based): chr2:218,814,701, C>T. VCF-style: chr2-218814701-C-T. GRCh37 (hg19) VCF-style: chr2-219679424-C-T.
Other names: R441W; c.1420C>T; short protein forms R474W.
Identifiers: ClinVar variation 4259 (VCV000004259.38), dbSNP rs121908098, ClinGen allele CA340215.
Genomic context (GRCh38, chr2:218,814,701, plus strand): 5'-CAGCCTGCTACCCCCAGGATCCAGCACCCATTTGGCTCTGTGCCCTTTGGCTATGGGGTC[C>T]GGGCCTGCCTGGGCCGCAGGATTGCAGAGCTGGAGATGCAGCTACTCCTCGCAAGGGTGA-3'
Protein context (NP_000775.1, residues 464-484): FGSVPFGYGV[Arg474Trp]ACLGRRIAEL

ClinVar aggregate classification (germline): Pathogenic/Likely pathogenic. Review status: criteria provided, multiple submitters, no conflicts (2 of 4 stars). 15 submissions from 15 submitters: Pathogenic (10); Likely pathogenic (1). 4 of the submissions do not count toward it. Last evaluated 2025-11-04.

Conditions:
CYP27A1-related disorder. Also called: CYP27A1-related condition.
Cholestanol storage disease (CTX). Also called: CEREBRAL CHOLESTERINOSIS; CTX: Cerebrotendinous xanthomatosis; Cerebrotendinous Xanthomatosis. Identifiers: Orphanet 909, MedGen C0238052, MONDO:0008948, OMIM 213700.

Allele frequency attached by ClinVar (database versions not stated): ExAC 0.00002; gnomAD 0.00001; gnomAD exomes 0.00001 and 0.00002; TOPMed 0.00001.
gnomAD v4.1: 20 of 1,614,042 alleles (0.0012%); highest among the groups gnomAD compares: East Asian, 0.016%; no homozygotes.

Submissions (15):

Labcorp Genetics (formerly Invitae), Labcorp
Classification: Pathogenic for Cholestanol storage disease. Last evaluated: 2025-11-04. Review status: criteria provided, single submitter. Criteria: Invitae Variant Classification Sherloc (09022015). Collection method: clinical testing. Allele origin: germline.
Comment: This sequence change replaces arginine, which is basic and polar, with tryptophan, which is neutral and slightly polar, at codon 474 of the CYP27A1 protein (p.Arg474Trp). This variant is present in population databases (rs121908098, gnomAD 0.02%). This missense change has been observed in individual(s) with cerebrotendinous xanthomatosis (PMID: 7915755, 10406988, 12270007, 17319284, 22336472, 29321515). In at least one individual the data is consistent with being in trans (on the opposite chromosome) from a pathogenic variant. This variant is also known as p.Arg441Trp. ClinVar contains an entry for this variant (Variation ID: 4259). Invitae Evidence Modeling of protein sequence and biophysical properties (such as structural, functional, and spatial information, amino acid conservation, physicochemical variation, residue mobility, and thermodynamic stability) indicates that this missense variant is expected to disrupt CYP27A1 protein function with a positive predictive value of 95%. Experimental studies have shown that this missense change affects CYP27A1 function (PMID: 12270007). For these reasons, this variant has been classified as Pathogenic.

PreventionGenetics, part of Exact Sciences
Classification: Pathogenic for CYP27A1-related condition. Last evaluated: 2025-08-15. Review status: criteria provided, single submitter. Criteria: ACMG Guidelines, 2015. Collection method: clinical testing. Allele origin: germline.
Comment: The CYP27A1 c.1420C>T variant is predicted to result in the amino acid substitution p.Arg474Trp. This variant, sometimes described as R441W using legacy nomenclature, has been reported in homozygous and compound heterozygous individuals with cerebrotendinous xanthomatosis (see, for example, Kim et al. 1994. PubMed ID: 7915755; Rystedt et al. 2002. PubMed ID: 12270007; Wang et al. 2007. PubMed ID: 17319284; Gong et al. 2017. PubMed ID: 28937538; Bell et al. 2021. PubMed ID: 33494148). Experimental studies in vitro indicate that the p.Arg474Trp variant has less than 5% of the enzyme activity compared to wild-type enzyme (Rystedt et al. 2002. PubMed ID: 12270007). An alternate missense change at the same amino acid position, p.Arg474Gln, has also been reported in patients with cerebrotendinous xanthomatosis (Kim et al. 1994. PubMed ID: 7915755; Sasamura et al. 2018. PubMed ID: 29434128). The c.1420C>T (p.Arg474Trp) variant is reported in 0.016% of alleles in individuals of East Asian descent in gnomAD. Based on the available evidence, we classify this variant as pathogenic.

Natera, Inc.
Classification: Pathogenic for Cerebrotendinous xanthomatosis. Last evaluated: 2025-04-24. Review status: criteria provided, single submitter. Criteria: Natera Variant Classification Schema (03/2026). Collection method: clinical testing. Allele origin: germline.
Comment: The c.1420C>T variant in CYP27A1 is a missense variant predicted to cause substitution of arginine to tryptophan at amino acid 474. This variant is rare in the general population with a frequency below the threshold expected for the associated phenotype(s). This variant has been observed in one or more individuals affected with the associated recessive disease, as either homozygous or compound heterozygous with a second variant (PMID: 33313117, 17319284). Given the available evidence, this variant is classified as Pathogenic.

3billion
Classification: Pathogenic for Cholestanol storage disease. Last evaluated: 2025-01-16. Review status: criteria provided, single submitter. Criteria: ACMG Guidelines, 2015. Collection method: clinical testing. Allele origin: germline. Affected: yes.
Comment: The variant is observed at an extremely low frequency in the gnomAD v4.1.0 dataset (total allele frequency: 0.001%). Predicted Consequence/Location: Missense variant In silico tool predictions suggest damaging effect of the variant on gene or gene product [REVEL: 0.90 (>=0.6, sensitivity 0.68 and specificity 0.92); 3Cnet: 0.53 (>=0.6, sensitivity 0.72 and precision 0.9)]. The same nucleotide change resulting in the same amino acid change has been previously reported as pathogenic/likely pathogenic with strong evidence (ClinVar ID: VCV000004259 /PMID: 7915755 /3billion dataset). The variant is in trans with the other variant. Different missense changes at the same codon (p.Arg474Gln, p.Arg474Pro) have been reported as pathogenic/likely pathogenic with strong evidence (ClinVar ID: VCV000004258, VCV002034261 /PMID: 7915755). Therefore, this variant is classified as Pathogenic (PS1_S, PM2_M, PM3_M, PM5_M, PP3_P) according to the recommendation of ACMG/AMP guideline.

Foundation for Research in Genetics and Endocrinology, FRIGE's Institute of Human Genetics
Classification: Pathogenic for Cholestanol storage disease. Last evaluated: 2024-10-11. Review status: criteria provided, single submitter. Criteria: ACMG Guidelines, 2015. Collection method: clinical testing. Allele origin: germline. Inheritance: Autosomal recessive inheritance. Affected: yes. Observed: 1 compound heterozygote.
Comment: A heterozygous missense variation in exon 8 of the CYP27A1 gene that results in the amino acid substitution of tryptophan for Arginine at codon 474 was detected. The observed variant c.1420C>T (p.Arg474Trp) has a minor allele frequency of 0.0012% and 0.0017% gnomAD and ExAC databases. The in silico prediction of the variant is damaging by Revel, MutationTaster2, MetaLR, BayesDel and DANN. In summary, the variant meets our criteria to be classified as a variant of pathogenic.

GeneDx
Classification: Pathogenic. Last evaluated: 2023-06-22. Review status: criteria provided, single submitter. Criteria: GeneDx Variant Classification Process June 2021. Collection method: clinical testing. Allele origin: germline. Affected: yes.
Comment: Published functional studies demonstrate a damaging effect on enzyme activity (Gupta RP et al., 2007; Kim KS et al., 1994); In silico analysis supports that this missense variant has a deleterious effect on protein structure/function; This variant is associated with the following publications: (PMID: 8614539, 34426522, 33414089, 7915755, 32868181, 33494148, 17697869, 33763395, 32581172, 35614401, 28937538)

Revvity Omics, Revvity
Classification: Pathogenic for Cholestanol storage disease. Last evaluated: 2023-05-05. Review status: criteria provided, single submitter. Criteria: ACMG Guidelines, 2015. Collection method: clinical testing. Allele origin: germline.

Breakthrough Genomics
Classification: Pathogenic for Cholestanol storage disease. Last evaluated: 2021-04-16. Review status: criteria provided, single submitter. Criteria: ACMG Guidelines, 2015. Collection method: clinical testing. Allele origin: germline. Affected: yes.
Comment: The p.Arg474Trp variant was previously classified as ‘deleterious’ based on insilico predictions [PMID: 32344004].

Institute of Human Genetics, University of Leipzig Medical Center
Classification: Pathogenic for Cholestanol storage disease. Last evaluated: 2020-03-01. Review status: criteria provided, single submitter. Criteria: ACMG Guidelines, 2015. Collection method: clinical testing. Allele origin: biparental. Inheritance: Autosomal recessive inheritance. Affected: yes.
Comment: Review of the variants reported in Reuter et al., 2017, PMID: 28097321: PS3,PM2,PM3_Strong,PP3

Centre for Mendelian Genomics, University Medical Centre Ljubljana
Classification: Likely pathogenic for Cholestanol storage disease. Last evaluated: 2019-06-12. Review status: criteria provided, single submitter. Criteria: ACMG Guidelines, 2015. Collection method: clinical testing. Allele origin: unknown. Affected: yes.
Comment: This variant was classified as: Likely pathogenic. The following ACMG criteria were applied in classifying this variant: PS1,PM2,PM3.

Kariminejad - Najmabadi Pathology & Genetics Center
Classification: Pathogenic for Cholestanol storage disease. Review status: criteria provided, single submitter. Criteria: ACMG Guidelines, 2015. Collection method: clinical testing. Allele origin: germline. Affected: no.

Department of Rehabilitation Medicine, Incheon St. Mary’s Hospital, College of Medicine, The Catholic University of Korea
Classification: Pathogenic for Cholestanol storage disease. Last evaluated: 2019-02-11. Review status: no assertion criteria provided. Collection method: research. Allele origin: unknown. Inheritance: Autosomal recessive inheritance. Affected: yes. Observed: 1 homozygote. Not counted in ClinVar's aggregate classification.

Counsyl
Classification: Likely pathogenic for Cholestanol storage disease. Last evaluated: 2017-06-22. Review status: no assertion criteria provided. Collection method: clinical testing. Allele origin: unknown. Not counted in ClinVar's aggregate classification.

GeneReviews
Classification: Pathogenic for Cerebrotendinous Xanthomatosis. Last evaluated: 2013-08-01. Review status: no assertion criteria provided. Collection method: curation. Allele origin: unknown. Not counted in ClinVar's aggregate classification.
ClinVar note: Converted during submission from pathologic to Pathogenic.

OMIM
Classification: Pathogenic for CEREBROTENDINOUS XANTHOMATOSIS. Last evaluated: 1994-06-01. Review status: no assertion criteria provided. Collection method: literature only. Allele origin: germline. Not counted in ClinVar's aggregate classification.

Literature cited by the submitters: PubMed 7915755 (cited by 4 submitters); PubMed 10406988 (cited by Labcorp Genetics (formerly Invitae), Labcorp and Counsyl); PubMed 12270007 (cited by Labcorp Genetics (formerly Invitae), Labcorp and Counsyl); PubMed 17319284 (cited by 3 submitters); PubMed 22336472 (cited by Labcorp Genetics (formerly Invitae), Labcorp and Counsyl); PubMed 29321515 (cited by Labcorp Genetics (formerly Invitae), Labcorp); PubMed 33313117 (cited by Natera, Inc.); PubMed 11903362 (cited by Counsyl); PubMed 17697869 (cited by Counsyl); PubMed 20558929 (cited by Counsyl).